The following is an entry in ClinVar:

t(13;17)(q12.2;q11.2)

Genes: FLT3 (fms related receptor tyrosine kinase 3; minus strand), MYO18A (myosin XVIIIA; minus strand). Cytogenetic location: 13q12.2.
Variant type: Translocation.
Identifiers: ClinVar variation 590265 (VCV000590265.1).

ClinVar aggregate classification (germline): Likely pathogenic (0 of 4 stars; one submission).

Conditions:
Atypical chronic myeloid leukemia, BCR-ABL1 negative (ACML). Also called: Atypical chronic myeloid leukemia. Identifiers: Orphanet 98824, MedGen C1292772, MONDO:0004653.

Submission:

Knight Cancer Institute, Oregon Health and Science University
Classification: Likely pathogenic for Atypical chronic myeloid leukemia. Last evaluated: 2018-09-25. Review status: no assertion criteria provided. Collection method: clinical testing. Allele origin: unknown. Affected: yes.
Comment: Primary patient samples are sensitive to kinase inhibitors (quizartinib and sorafenib)

Literature cited by the submitters: PubMed 27795560; PubMed 17764812; PubMed 28261327; PubMed 29025582; PubMed 15800673; PubMed 22682626.